The following is an entry in ClinVar:

ClinVar aggregate classification (germline): Benign/Likely benign. Review status: criteria provided, multiple submitters, no conflicts (2 of 4 stars). 4 submissions from 4 submitters: Benign (3); Likely benign (1). Last evaluated 2025-12-30.

Conditions:
Autosomal dominant nonsyndromic hearing loss 41. Also called: Deafness, autosomal dominant 41. Identifiers: Orphanet 90635, MedGen C1842371, MONDO:0011994, OMIM 608224.

Submissions (4):

Labcorp Genetics (formerly Invitae), Labcorp
Classification: Benign. Last evaluated: 2025-12-30. Review status: criteria provided, single submitter. Criteria: Invitae Variant Classification Sherloc (09022015). Collection method: clinical testing. Allele origin: germline.

Fulgent Genetics
Classification: Likely benign for Autosomal dominant nonsyndromic hearing loss 41. Last evaluated: 2021-08-07. Review status: criteria provided, single submitter. Criteria: ACMG Guidelines, 2015. Collection method: clinical testing. Allele origin: unknown.

GeneDx
Classification: Benign. Last evaluated: 2018-03-12. Review status: criteria provided, single submitter. Criteria: GeneDx Variant Classification Process June 2021. Collection method: clinical testing. Allele origin: germline. Affected: yes.

Laboratory for Molecular Medicine, Mass General Brigham Personalized Medicine
Classification: Benign. Last evaluated: 2016-02-09. Review status: criteria provided, single submitter. Criteria: LMM Criteria. Collection method: clinical testing. Allele origin: germline. Observed: 5 variant alleles.
Comment: p.Ala469SerfsX21 in exon 11 of P2RX2 : This variant is not expected to have clin ical significance because it has been identified in 3.4% (344/10052) of African chromosomes by the Exome Aggregation Consortium (ExAC; dbSNP rs150092274). This variant is located in the last exon of the gene that is alternatively spliced in some isoforms, and is likely to escape nonsens e mediated decay.

NM_170682.4(P2RX2):c.1325_1335del (p.Ile441_Ser442insTer)

Gene: P2RX2 (purinergic receptor P2X 2; plus strand). Cytogenetic location: 12q24.33.
Variant type: Deletion.
Coding change: c.1325_1335del on transcript NM_170682.4 (MANE Select); coding-DNA positions 1325 to 1335, 11 bases deleted (CTGCCCCTTCT).
Protein change: p.Ile441_Ser442insTer.
Molecular consequence: nonsense. On other transcripts: intron variant (2), 3 prime UTR variant (1).
Genome position (GRCh38, 1-based): chr12:132,621,881-132,621,891, CTGCCCCTTCT deleted; deleting any 11 consecutive bases within chr12:132,621,878-132,621,891 gives the same sequence; the c. name uses the placement nearest the transcript's 3' end. VCF-style (leftmost placement, unchanged base first): chr12-132621877-ATCTCTGCCCCT-A. GRCh37 (hg19) VCF-style: chr12-133198463-ATCTCTGCCCCT-A.
Other names: c.1049_1059del, p.Ile349_Ser350insTer (NM_174872.3); c.1403_1413del, p.Ile467_Ser468insTer (NM_170683.4); c.1141-17_1141-7del (NM_174873.3, NM_174873.2); c.1039-17_1039-7del (NM_001282164.2); c.*372_*382del (NM_001282165.2); c.1109_1119del, p.Ile369_Ser370insTer (NM_012226.5); c.1253_1263del, p.Ile417_Ser418insTer (NM_016318.4).
Identifiers: ClinVar variation 226980 (VCV000226980.16), dbSNP rs876657423, ClinGen allele CA6891895.